The following is an entry in ClinVar:

ClinVar aggregate classification (germline): Likely benign (0 of 4 stars; one submission).

Conditions:
DCHS1-related disorder. Also called: DCHS1-related condition.

Allele frequency attached by ClinVar (database versions not stated): gnomAD exomes 0.00001; gnomAD 0.00002.
gnomAD v4.1: 13 of 1,613,960 alleles (0.00081%); highest among the groups gnomAD compares: Admixed American, 0.0017%; no homozygotes.

Submission:

PreventionGenetics, part of Exact Sciences
Classification: Likely benign for DCHS1-related condition. Last evaluated: 2023-02-03. Review status: no assertion criteria provided. Collection method: clinical testing. Allele origin: germline.
Comment: This variant is classified as likely benign based on ACMG/AMP sequence variant interpretation guidelines (Richards et al. 2015 PMID: 25741868, with internal and published modifications).

NM_003737.4(DCHS1):c.7908C>T (p.Leu2636=)

Gene: DCHS1 (dachsous cadherin-related 1; minus strand). Cytogenetic location: 11p15.4.
Variant type: single nucleotide variant.
Coding change: c.7908C>T on transcript NM_003737.4 (MANE Select); coding-DNA position 7908, C replaced by T.
Protein change: p.Leu2636=; no amino-acid change (leucine 2636 retained).
Molecular consequence: synonymous variant.
Genome position (GRCh38, 1-based): chr11:6,623,768, G>A on the plus strand (C>T on the coding strand, the complement: DCHS1 is on the minus strand). VCF-style: chr11-6623768-G-A. GRCh37 (hg19) VCF-style: chr11-6644999-G-A.
Identifiers: ClinVar variation 3047372 (VCV003047372.2), dbSNP rs1351950414, ClinGen allele CA472924042.
Genomic context (GRCh38, chr11:6,623,768, plus strand): 5'-TGAGCTCTCATCCAGCTCAAAGAGCCCTGATGGGTCGCCTGAGCTGACAGTGAAACGCAC[G>A]AGGCCATGAGGGCCAGGGTCAGCGTCAGAGGCCTCTACATGCAGCAGCTCAGCTCCAACA-3'
Protein context (NP_003728.1, residues 2626-2646): ASDADPGPHG[Leu2636=]VRFTVSSGDP